The following is an entry in ClinVar:

NM_183357.3(ADCY5):c.1373A>C (p.His458Pro)

Gene: ADCY5 (adenylate cyclase 5; minus strand). Cytogenetic location: 3q21.1.
Variant type: single nucleotide variant.
Coding change: c.1373A>C on transcript NM_183357.3 (MANE Select); coding-DNA position 1373, A replaced by C.
Protein change: p.His458Pro; replaces histidine 458 with proline.
Molecular consequence: missense variant.
Genome position (GRCh38, 1-based): chr3:123,347,815, T>G on the plus strand (A>C on the coding strand, the complement: ADCY5 is on the minus strand). VCF-style: chr3-123347815-T-G. GRCh37 (hg19) VCF-style: chr3-123066662-T-G.
Other names: c.323A>C, p.His108Pro (NM_001199642.1); c.1373A>C, p.His458Pro (NM_001378259.1); short protein forms H108P, H458P.
Identifiers: ClinVar variation 2751241 (VCV002751241.3), dbSNP rs750436330, ClinGen allele CA2577481.

ClinVar aggregate classification (germline): Uncertain significance (1 of 4 stars; one submission).

Allele frequency attached by ClinVar (database versions not stated): gnomAD exomes below 0.00001; ExAC 0.00001.
gnomAD v4.1: 2 of 1,614,132 alleles (0.00012%); highest among the groups gnomAD compares: Admixed American, 0.0033%; no homozygotes.

Submission:

Labcorp Genetics (formerly Invitae), Labcorp
Classification: Uncertain significance. Last evaluated: 2023-08-14. Review status: criteria provided, single submitter. Criteria: Invitae Variant Classification Sherloc (09022015). Collection method: clinical testing. Allele origin: germline.
Comment: This sequence change replaces histidine, which is basic and polar, with proline, which is neutral and non-polar, at codon 458 of the ADCY5 protein (p.His458Pro). This variant is present in population databases (rs750436330, gnomAD 0.006%). This variant has not been reported in the literature in individuals affected with ADCY5-related conditions. Advanced modeling of protein sequence and biophysical properties (such as structural, functional, and spatial information, amino acid conservation, physicochemical variation, residue mobility, and thermodynamic stability) performed at Invitae indicates that this missense variant is expected to disrupt ADCY5 protein function. In summary, the available evidence is currently insufficient to determine the role of this variant in disease. Therefore, it has been classified as a Variant of Uncertain Significance.